The following is an entry in ClinVar:

ClinVar aggregate classification (germline): Uncertain significance (1 of 4 stars; one submission).

Allele frequency attached by ClinVar (database versions not stated): gnomAD 0.00003; gnomAD exomes 0.00004; TOPMed 0.00004; ExAC 0.00007; ESP Exome Variant Server 0.00008.

Submission:

Labcorp Genetics (formerly Invitae), Labcorp
Classification: Uncertain significance. Last evaluated: 2024-11-18. Review status: criteria provided, single submitter. Criteria: Invitae Variant Classification Sherloc (09022015). Collection method: clinical testing. Allele origin: germline.
Comment: This sequence change replaces threonine, which is neutral and polar, with methionine, which is neutral and non-polar, at codon 293 of the WHRN protein (p.Thr293Met). This variant is present in population databases (rs373608204, gnomAD 0.01%), including at least one homozygous and/or hemizygous individual. This variant has not been reported in the literature in individuals affected with WHRN-related conditions. ClinVar contains an entry for this variant (Variation ID: 1468812). An algorithm developed to predict the effect of missense changes on protein structure and function outputs the following: PolyPhen-2: "Benign". The methionine amino acid residue is found in multiple mammalian species, which suggests that this missense change does not adversely affect protein function. In summary, the available evidence is currently insufficient to determine the role of this variant in disease. Therefore, it has been classified as a Variant of Uncertain Significance.

NM_015404.4(WHRN):c.878C>T (p.Thr293Met)

Gene: WHRN (whirlin; minus strand). Cytogenetic location: 9q32.
Variant type: single nucleotide variant.
Coding change: c.878C>T on transcript NM_015404.4 (MANE Select); coding-DNA position 878, C replaced by T.
Protein change: p.Thr293Met; replaces threonine 293 with methionine.
Molecular consequence: missense variant. On other transcripts: 5 prime UTR variant (1).
Genome position (GRCh38, 1-based): chr9:114,466,352, G>A on the plus strand (C>T on the coding strand, the complement: WHRN is on the minus strand). VCF-style: chr9-114466352-G-A. GRCh37 (hg19) VCF-style: chr9-117228632-G-A.
Other names: c.-272C>T (NM_001083885.3); c.878C>T, p.Thr293Met (NM_001173425.2); short protein forms T293M.
Identifiers: ClinVar variation 1468812 (VCV001468812.6), dbSNP rs373608204, ClinGen allele CA5206133.